The following is an entry in ClinVar:

ClinVar aggregate classification (germline): Uncertain significance (1 of 4 stars; one submission).

Conditions:
Costello syndrome (CSTLO). Also called: FACIOCUTANEOSKELETAL SYNDROME; FCS SYNDROME; HRAS-Related Costello Syndrome. Identifiers: Orphanet 3071, MedGen C0587248, MONDO:0009026, OMIM 218040.

Allele frequency attached by ClinVar (database versions not stated): gnomAD exomes below 0.00001.
gnomAD v4.1: 1 of 1,613,194 alleles (0.000062%); highest among the groups gnomAD compares: South Asian, 0.0011%; no homozygotes.

Submission:

Labcorp Genetics (formerly Invitae), Labcorp
Classification: Uncertain significance for Costello syndrome. Last evaluated: 2022-12-16. Review status: criteria provided, single submitter. Criteria: Invitae Variant Classification Sherloc (09022015). Collection method: clinical testing. Allele origin: germline.
Comment: This sequence change replaces glutamine, which is neutral and polar, with lysine, which is basic and polar, at codon 165 of the HRAS protein (p.Gln165Lys). This variant is not present in population databases (gnomAD no frequency). This variant has not been reported in the literature in individuals affected with HRAS-related conditions. Advanced modeling of protein sequence and biophysical properties (such as structural, functional, and spatial information, amino acid conservation, physicochemical variation, residue mobility, and thermodynamic stability) performed at Invitae indicates that this missense variant is not expected to disrupt HRAS protein function. In summary, the available evidence is currently insufficient to determine the role of this variant in disease. Therefore, it has been classified as a Variant of Uncertain Significance.

NM_005343.4(HRAS):c.493C>A (p.Gln165Lys)

Genes: HRAS (HRas proto-oncogene, GTPase; minus strand), LRRC56 (leucine rich repeat containing 56; plus strand). Cytogenetic location: 11p15.5.
Variant type: single nucleotide variant.
Coding change: c.493C>A on transcript NM_005343.4 (MANE Select); coding-DNA position 493, C replaced by A.
Protein change: p.Gln165Lys; replaces glutamine 165 with lysine.
Molecular consequence: missense variant. On other transcripts: 3 prime UTR variant (1).
Genome position (GRCh38, 1-based): chr11:532,713, G>T on the plus strand (C>A on the coding strand, the complement: HRAS is on the minus strand). VCF-style: chr11-532713-G-T. GRCh37 (hg19) VCF-style: chr11-532713-G-T.
Other names: c.493C>A, p.Gln165Lys (NM_001130442.3); c.256C>A, p.Gln86Lys (NM_001318054.2); c.*62C>A (NM_176795.5); short protein forms Q165K, Q86K.
Identifiers: ClinVar variation 2821352 (VCV002821352.3), dbSNP rs2133982339, ClinGen allele CA378921150.